The following is an entry in ClinVar:

ClinVar aggregate classification (germline): Uncertain significance. Review status: criteria provided, multiple submitters, no conflicts (2 of 4 stars). 2 submissions from 2 submitters: Uncertain significance (2). Last evaluated 2023-04-28.

Conditions:
Inborn genetic diseases. Identifiers: MedGen C0950123, MeSH D030342.

Submissions (2):

GeneDx
Classification: Uncertain significance. Last evaluated: 2023-04-28. Review status: criteria provided, single submitter. Criteria: GeneDx Variant Classification Process June 2021. Collection method: clinical testing. Allele origin: germline. Affected: yes.
Comment: Not observed at significant frequency in large population cohorts (gnomAD); In silico analysis supports that this missense variant has a deleterious effect on protein structure/function; Has not been previously published as pathogenic or benign to our knowledge

Ambry Genetics
Classification: Uncertain significance for Inborn genetic diseases. Last evaluated: 2022-08-26. Review status: criteria provided, single submitter. Criteria: Ambry Variant Classification Scheme 2023. Collection method: clinical testing. Allele origin: germline.

NM_001085458.2(CTNND1):c.1487C>G (p.Ala496Gly)

Genes: CTNND1 (catenin delta 1; plus strand), TMX2-CTNND1 (TMX2-CTNND1 readthrough (NMD candidate); plus strand). Cytogenetic location: 11q12.1.
Variant type: single nucleotide variant.
Coding change: c.1487C>G on transcript NM_001085458.2 (MANE Select); coding-DNA position 1487, C replaced by G.
Protein change: p.Ala496Gly; replaces alanine 496 with glycine.
Molecular consequence: missense variant. On other transcripts: non-coding transcript variant (1).
Genome position (GRCh38, 1-based): chr11:57,803,687, C>G. VCF-style: chr11-57803687-C-G. GRCh37 (hg19) VCF-style: chr11-57571159-C-G.
Other names: c.1487C>G, p.Ala496Gly (NM_001085459.2, NM_001085460.2, NM_001085461.2 and 3 more transcripts); c.1184C>G, p.Ala395Gly (NM_001085463.2, NM_001085464.2, NM_001085465.2 and 5 more transcripts); c.1325C>G, p.Ala442Gly (NM_001206883.2, NM_001206884.2, NM_001206886.2 and 4 more transcripts); short protein forms A395G, A442G, A496G.
Identifiers: ClinVar variation 2309098 (VCV002309098.3), dbSNP rs2497404593, ClinGen allele CA380727133.